The following is an entry in ClinVar:

ClinVar aggregate classification (germline): Pathogenic. Review status: criteria provided, single submitter (1 of 4 stars). 2 submissions from 2 submitters: Pathogenic (1). 1 of the submissions does not count toward it. Last evaluated 2026-05-12.

Conditions:
Hereditary cancer-predisposing syndrome. Also called: Neoplastic Syndromes, Hereditary; Hereditary neoplastic syndrome; Tumor predisposition; Hereditary Cancer Syndrome. Identifiers: Orphanet 140162, MedGen C0027672, MeSH D009386, MONDO:0015356.
Tuberous sclerosis syndrome (TSC). Also called: Tuberous sclerosis; Tuberous Sclerosis Complex. Identifiers: Orphanet 805, MedGen C0041341, MONDO:0001734.

Submissions (2):

Ambry Genetics
Classification: Pathogenic for Hereditary cancer-predisposing syndrome. Last evaluated: 2026-05-12. Review status: criteria provided, single submitter. Criteria: Ambry Variant Classification Scheme 2023. Collection method: clinical testing. Allele origin: germline.
Comment: The c.2781_2784delGAAA pathogenic mutation, located in coding exon 19 of the TSC1 gene, results from a deletion of 4 nucleotides at nucleotide positions 2781 to 2784, causing a translational frameshift with a predicted alternate stop codon (p.K927Nfs*3). This variant is considered to be rare based on population cohorts in the Genome Aggregation Database (gnomAD). This alteration is expected to result in loss of function by premature protein truncation or nonsense-mediated mRNA decay. As such, this alteration is interpreted as a disease-causing mutation.

Tuberous sclerosis database (TSC1)
No classification provided. Condition: TSC. Review status: no classification provided. Criteria: Tuberous Sclerosis Database Assertion Criteria 2015. Collection method: curation. Allele origin: germline. Affected: yes. Not counted in ClinVar's aggregate classification.

NM_000368.5(TSC1):c.2781_2784del (p.Lys927fs)

Gene: TSC1 (TSC complex subunit 1; minus strand). Cytogenetic location: 9q34.13.
Variant type: Deletion.
Coding change: c.2781_2784del on transcript NM_000368.5 (MANE Select); coding-DNA positions 2781 to 2784, 4 bases deleted (GAAA; older notation c.2781_2784delGAAA).
Protein change: p.Lys927fs; shifts the reading frame from lysine 927.
Molecular consequence: frameshift variant.
Genome position (GRCh38, 1-based): chr9:132,897,452-132,897,455, TTTC deleted on the plus strand (GAAA on the coding strand, the reverse complement: TSC1 is on the minus strand); deleting any 4 consecutive bases within chr9:132,897,452-132,897,457 gives the same sequence; the c. name uses the placement nearest the transcript's 3' end. VCF-style (leftmost placement, unchanged base first): chr9-132897451-ATTTC-A. GRCh37 (hg19) VCF-style: chr9-135772838-ATTTC-A.
Other names: c.2778_2781del, p.Lys926fs (NM_001162426.2); c.2628_2631del, p.Lys876fs (NM_001162427.2); c.2418_2421del, p.Lys806fs (NM_001362177.2); c.2781_2784delGAAA (NM_000368.4); short protein forms K927fs, K926fs, K806fs, K876fs.
Identifiers: ClinVar variation 64795 (VCV000064795.3), dbSNP rs397514845, ClinGen allele CA006980.